The following is an entry in ClinVar:

NC_000017.10:g.(?_16855740)_(16855917_?)dup

Gene: TNFRSF13B (TNF receptor superfamily member 13B; minus strand). Cytogenetic location: 17p11.2.
Variant type: Duplication.
Identifiers: ClinVar variation 3243075 (VCV003243075.1).

ClinVar aggregate classification (germline): Uncertain significance (1 of 4 stars; one submission).

Conditions:
Immunodeficiency, common variable, 2 (CVID2). Also called: HYPOGAMMAGLOBULINEMIA DUE TO TACI DEFICIENCY; ANTIBODY DEFICIENCY DUE TO TACI DEFECT. Identifiers: Orphanet 1572, MedGen C3150354, MONDO:0009413, OMIM 240500.

Submission:

Labcorp Genetics (formerly Invitae), Labcorp
Classification: Uncertain significance for Immunodeficiency, common variable, 2. Last evaluated: 2023-05-05. Review status: criteria provided, single submitter. Criteria: Invitae Variant Classification Sherloc (09022015). Collection method: clinical testing. Allele origin: unknown.
Comment: In summary, the available evidence is currently insufficient to determine the role of this variant in disease. Therefore, it has been classified as a Variant of Uncertain Significance. Experimental studies and prediction algorithms are not available or were not evaluated, and the functional significance of this variant is currently unknown. This variant has not been reported in the literature in individuals affected with TNFRSF13B-related conditions. This variant results in a copy number gain of the genomic region encompassing exon(s) 2 of the TNFRSF13B gene. While the exact position of this variant cannot be determined from the data, sub-genic copy number gains are generally in tandem (PMID: 25640679). This variant is predicted to be in-frame, and likely preserves the integrity of the reading frame.

Literature cited by the submitters: PubMed 25640679.